The following is an entry in ClinVar:

NM_021939.4(FKBP10):c.393G>A (p.Ala131=)

Gene: FKBP10 (FKBP prolyl isomerase 10; plus strand). Cytogenetic location: 17q21.2.
Variant type: single nucleotide variant.
Coding change: c.393G>A on transcript NM_021939.4 (MANE Select); coding-DNA position 393, G replaced by A.
Protein change: p.Ala131=; no amino-acid change (alanine 131 retained).
Molecular consequence: synonymous variant.
Genome position (GRCh38, 1-based): chr17:41,818,090, G>A. VCF-style: chr17-41818090-G-A. GRCh37 (hg19) VCF-style: chr17-39974342-G-A.
Identifiers: ClinVar variation 890439 (VCV000890439.15), dbSNP rs573350587, ClinGen allele CA8566233.
Genomic context (GRCh38, chr17:41,818,090, plus strand): 5'-CTGGGATCGTGGTTGGCAGAGCAGAACTCTGAGACCTCCACGCTGCTGCGCTCTCACAGC[G>A]GGGCTCATTCCACCGGATGCCACCCTCTACTTCGATGTGGTTCTGCTGGATGTGTGGAAC-3'
Protein context (NP_068758.3, residues 121-141): PHLGYGSIGL[Ala131=]GLIPPDATLY

ClinVar aggregate classification (germline): Conflicting classifications of pathogenicity. Review status: criteria provided, conflicting classifications (1 of 4 stars). 4 submissions from 4 submitters: Uncertain significance (1); Benign (1); Likely benign (1). 1 of the submissions does not count toward it. Last evaluated 2025-11-17.

Conditions:
FKBP10-related disorder. Also called: FKBP10-related condition.
Osteogenesis imperfecta type 11. Also called: OI, TYPE XI; Osteogenesis imperfecta, type XI. Identifiers: Orphanet 666, MedGen C3151218, MONDO:0012592, OMIM 610968.
Osteogenesis imperfecta (OI). Identifiers: Orphanet 666, MedGen C0029434, MeSH D010013, MONDO:0019019.

Allele frequency attached by ClinVar (database versions not stated): gnomAD 0.00001 and 0.00009; TOPMed 0.00005; 1000 Genomes Project 0.00020; gnomAD exomes 0.00029 and 0.00060; 1000 Genomes Project 30x 0.00047; ExAC 0.00137.

Submissions (4):

Labcorp Genetics (formerly Invitae), Labcorp
Classification: Benign. Last evaluated: 2025-11-17. Review status: criteria provided, single submitter. Criteria: Invitae Variant Classification Sherloc (09022015). Collection method: clinical testing. Allele origin: germline.

Genome Diagnostics Laboratory, The Hospital for Sick Children
Classification: Uncertain significance for Osteogenesis imperfecta. Last evaluated: 2019-12-01. Review status: criteria provided, single submitter. Criteria: ACMG Guidelines, 2015. Collection method: clinical testing. Allele origin: germline.

Illumina Laboratory Services, Illumina
Classification: Likely benign for Osteogenesis imperfecta type 11. Last evaluated: 2018-01-12. Review status: criteria provided, single submitter. Criteria: ICSL Variant Classification Criteria 13 December 2019. Collection method: clinical testing. Allele origin: germline.
Comment: This variant was observed in the ICSL laboratory as part of a predisposition screen in an ostensibly healthy population. It had not been previously curated by ICSL or reported in the Human Gene Mutation Database (HGMD: prior to June 1st, 2018), and was therefore a candidate for classification through an automated scoring system. Utilizing variant allele frequency, disease prevalence and penetrance estimates, and inheritance mode, an automated score was calculated to assess if this variant is too frequent to cause the disease. Based on the score and internal cut-off values, a variant classified as likely benign is not then subjected to further curation. The score for this variant resulted in a classification of likely benign for this disease.

PreventionGenetics, part of Exact Sciences
Classification: Likely benign for FKBP10-related condition. Last evaluated: 2019-06-05. Review status: no assertion criteria provided. Collection method: clinical testing. Allele origin: germline. Not counted in ClinVar's aggregate classification.
Comment: This variant is classified as likely benign based on ACMG/AMP sequence variant interpretation guidelines (Richards et al. 2015 PMID: 25741868, with internal and published modifications).